The following is an entry in ClinVar:

NM_001165963.4(SCN1A):c.4858T>C (p.Phe1620Leu)

Genes: SCN1A (sodium voltage-gated channel alpha subunit 1; minus strand), LOC102724058 (uncharacterized LOC102724058; plus strand). Cytogenetic location: 2q24.3.
Variant type: single nucleotide variant.
Coding change: c.4858T>C on transcript NM_001165963.4 (MANE Select); coding-DNA position 4858, T replaced by C.
Protein change: p.Phe1620Leu; replaces phenylalanine 1620 with leucine.
Molecular consequence: missense variant. On other transcripts: non-coding transcript variant (1).
Genome position (GRCh38, 1-based): chr2:165,992,417, A>G on the plus strand (T>C on the coding strand, the complement: SCN1A is on the minus strand). VCF-style: chr2-165992417-A-G. GRCh37 (hg19) VCF-style: chr2-166848927-A-G.
Other names: c.4774T>C, p.Phe1592Leu (NM_001165964.3, NM_001353957.2, NM_001353958.2); c.4858T>C, p.Phe1620Leu (NM_001202435.3, NM_001353948.2); c.4825T>C, p.Phe1609Leu (NM_001353949.2, NM_001353950.2, NM_001353951.2 and 2 more transcripts); c.4822T>C, p.Phe1608Leu (NM_001353954.2, NM_001353955.2); c.4771T>C, p.Phe1591Leu (NM_001353960.2); c.2416T>C, p.Phe806Leu (NM_001353961.2); short protein forms F1591L, F1592L, F1608L, F1609L, F1620L, F806L.
Identifiers: ClinVar variation 1014045 (VCV001014045.9), dbSNP rs1689381070, ClinGen allele CA349070779.

ClinVar aggregate classification (germline): Likely pathogenic (1 of 4 stars; one submission).

Conditions:
Early-infantile DEE. Also called: Ohtahara syndrome; Early infantile epileptic encephalopathy with suppression bursts; Early infantile epileptic encephalopathy. Identifiers: Orphanet 1934, MedGen C0393706, MONDO:0800491.

Submission:

Labcorp Genetics (formerly Invitae), Labcorp
Classification: Likely pathogenic for Early-infantile DEE. Last evaluated: 2020-11-18. Review status: criteria provided, single submitter. Criteria: Invitae Variant Classification Sherloc (09022015). Collection method: clinical testing. Allele origin: germline.
Comment: In summary, the currently available evidence indicates that the variant is pathogenic, but additional data are needed to prove that conclusively. Therefore, this variant has been classified as Likely Pathogenic. Algorithms developed to predict the effect of missense changes on protein structure and function (SIFT, PolyPhen-2, Align-GVGD) all suggest that this variant is likely to be tolerated, but these predictions have not been confirmed by published functional studies and their clinical significance is uncertain. This variant has been observed in individual(s) with clinical features of SCN1A-related conditions (Invitae). In at least one individual the variant was observed to be de novo. This variant is not present in population databases (ExAC no frequency). This sequence change replaces phenylalanine with leucine at codon 1620 of the SCN1A protein (p.Phe1620Leu). The phenylalanine residue is highly conserved and there is a small physicochemical difference between phenylalanine and leucine.